The following is an entry in ClinVar:

NM_206933.4(USH2A):c.3241A>G (p.Asn1081Asp)

Genes: USH2A (usherin; minus strand), USH2A-AS1 (USH2A antisense RNA 1; plus strand). Cytogenetic location: 1q41.
Variant type: single nucleotide variant.
Coding change: c.3241A>G on transcript NM_206933.4 (MANE Select); coding-DNA position 3241, A replaced by G.
Protein change: p.Asn1081Asp; replaces asparagine 1081 with aspartic acid.
Molecular consequence: missense variant.
Genome position (GRCh38, 1-based): chr1:216,207,348, T>C on the plus strand (A>G on the coding strand, the complement: USH2A is on the minus strand). VCF-style: chr1-216207348-T-C. GRCh37 (hg19) VCF-style: chr1-216380690-T-C.
Other names: c.3241A>G, p.Asn1081Asp (NM_007123.6); short protein forms N1081D.
Identifiers: ClinVar variation 505159 (VCV000505159.5), dbSNP rs1553315006, ClinGen allele CA344862475.
Genomic context (GRCh38, chr1:216,207,348, plus strand): 5'-CCTCTGTTGTGTAGATTTCAAAACCATCCCTGAGTAAACTGTAAGTAAGCCAGTGGGCAT[T>C]TGGAGAATCAGGTGGACTCCAGGAGAGATTGATAGCAGAAGAACTTTGAACTTGTCCTCT-3'
Protein context (NP_996816.3, residues 1071-1091): NLSWSPPDSP[Asn1081Asp]AHWLTYSLLR

ClinVar aggregate classification (germline): Uncertain significance (1 of 4 stars; one submission).

Allele frequency attached by ClinVar (database versions not stated): gnomAD exomes below 0.00001.
gnomAD v4.1: 2 of 1,614,076 alleles (0.00012%); highest among the groups gnomAD compares: South Asian, 0.0011%; no homozygotes.

Submission:

Laboratory for Molecular Medicine, Mass General Brigham Personalized Medicine
Classification: Uncertain significance. Last evaluated: 2016-06-21. Review status: criteria provided, single submitter. Criteria: LMM Criteria. Collection method: clinical testing. Allele origin: germline. Observed: 1 variant allele.
Comment: The p.Asn1081Asp variant in USH2A has not been previously reported in individual s with hearing loss or in large population studies. Computational prediction too ls and conservation analyses suggest that this variant may impact the protein, t hough this information is not predictive enough to determine pathogenicity. In s ummary, the clinical significance of the p.Asn1081Asp variant is uncertain.